The following is an entry in ClinVar:

ClinVar aggregate classification (germline): Uncertain significance (1 of 4 stars; one submission).

gnomAD v4.1: 10 of 1,610,714 alleles (0.00062%); highest among the groups gnomAD compares: Non-Finnish European, 0.00085%; no homozygotes.

Submission:

Labcorp Genetics (formerly Invitae), Labcorp
Classification: Uncertain significance. Last evaluated: 2025-11-10. Review status: criteria provided, single submitter. Criteria: Invitae Variant Classification Sherloc (09022015). Collection method: clinical testing. Allele origin: germline.
Comment: This sequence change falls in intron 5 of the SLC10A2 gene. It does not directly change the encoded amino acid sequence of the SLC10A2 protein. It affects a nucleotide within the consensus splice site. This variant is present in population databases (no rsID available, gnomAD 0.0009%). This variant has not been reported in the literature in individuals affected with SLC10A2-related conditions. Variants that disrupt the consensus splice site are a relatively common cause of aberrant splicing (PMID: 17576681, 9536098). Algorithms developed to predict the effect of sequence changes on RNA splicing suggest that this variant may disrupt the consensus splice site. In summary, the available evidence is currently insufficient to determine the role of this variant in disease. Therefore, it has been classified as a Variant of Uncertain Significance.

Literature cited by the submitters: PubMed 17576681; PubMed 9536098.

NM_000452.3(SLC10A2):c.920-1G>A

Gene: SLC10A2 (solute carrier family 10 member 2; minus strand). Cytogenetic location: 13q33.1.
Variant type: single nucleotide variant.
Coding change: c.920-1G>A on transcript NM_000452.3 (MANE Select); the canonical splice acceptor site of the intron before coding-DNA position 920, G replaced by A.
Molecular consequence: splice acceptor variant.
Genome position (GRCh38, 1-based): chr13:103,046,261, C>T on the plus strand (G>A on the coding strand, the complement: SLC10A2 is on the minus strand). VCF-style: chr13-103046261-C-T. GRCh37 (hg19) VCF-style: chr13-103698611-C-T.
Identifiers: ClinVar variation 4759570 (VCV004759570.1).
Genomic context (GRCh38, chr13:103,046,261, plus strand): 5'-CTTTGCTCTCTGGAATTTCTGCCTTGTTTTTTCCATGACATTTCTTGTATGCCACATAAA[C>T]TAGAAAACAATACACAGACAGTTAAGTAAATTTTATAATAATAAACTGCAAAATTACTTT-3'